The following is an entry in ClinVar:

NM_006343.3(MERTK):c.865G>A (p.Glu289Lys)

Gene: MERTK (MER proto-oncogene, tyrosine kinase; plus strand). Cytogenetic location: 2q13.
Variant type: single nucleotide variant.
Coding change: c.865G>A on transcript NM_006343.3 (MANE Select); coding-DNA position 865, G replaced by A.
Protein change: p.Glu289Lys; replaces glutamic acid 289 with lysine.
Molecular consequence: missense variant.
Genome position (GRCh38, 1-based): chr2:111,968,157, G>A. VCF-style: chr2-111968157-G-A. GRCh37 (hg19) VCF-style: chr2-112725734-G-A.
Other names: c.865G>A (NM_006343.2); short protein forms E289K.
Identifiers: ClinVar variation 1482248 (VCV001482248.8), dbSNP rs766215580, ClinGen allele CA1831215.

ClinVar aggregate classification (germline): Uncertain significance. Review status: criteria provided, multiple submitters, no conflicts (2 of 4 stars). 3 submissions from 3 submitters: Uncertain significance (3). Last evaluated 2026-03-13.

Conditions:
MERTK-related disorder. Also called: MERTK-related condition.
Inborn genetic diseases. Identifiers: MedGen C0950123, MeSH D030342.

Allele frequency attached by ClinVar (database versions not stated): gnomAD 0.00001; gnomAD exomes 0.00001 and 0.00002; TOPMed 0.00001; ExAC 0.00002.
gnomAD v4.1: 15 of 1,613,666 alleles (0.00093%); highest among the groups gnomAD compares: Non-Finnish European, 0.001%; no homozygotes.

Submissions (3):

PreventionGenetics, part of Exact Sciences
Classification: Uncertain significance for MERTK-related condition. Last evaluated: 2026-03-13. Review status: criteria provided, single submitter. Criteria: ACMG Guidelines, 2015. Collection method: clinical testing. Allele origin: germline.
Comment: The MERTK c.865G>A variant is predicted to result in the amino acid substitution p.Glu289Lys. To our knowledge, this variant has not been reported in the literature or in a large population database (gnomAD), indicating this variant is rare. At this time, the clinical significance of this variant is uncertain due to the absence of conclusive functional and genetic evidence.

Ambry Genetics
Classification: Uncertain significance for Inborn genetic diseases. Last evaluated: 2025-03-07. Review status: criteria provided, single submitter. Criteria: Ambry Variant Classification Scheme 2023. Collection method: clinical testing. Allele origin: germline.

Labcorp Genetics (formerly Invitae), Labcorp
Classification: Uncertain significance. Last evaluated: 2023-11-27. Review status: criteria provided, single submitter. Criteria: Invitae Variant Classification Sherloc (09022015). Collection method: clinical testing. Allele origin: germline.
Comment: This sequence change replaces glutamic acid, which is acidic and polar, with lysine, which is basic and polar, at codon 289 of the MERTK protein (p.Glu289Lys). This variant is present in population databases (rs766215580, gnomAD 0.003%). This variant has not been reported in the literature in individuals affected with MERTK-related conditions. ClinVar contains an entry for this variant (Variation ID: 1482248). Advanced modeling of protein sequence and biophysical properties (such as structural, functional, and spatial information, amino acid conservation, physicochemical variation, residue mobility, and thermodynamic stability) performed at Invitae indicates that this missense variant is not expected to disrupt MERTK protein function with a negative predictive value of 80%. In summary, the available evidence is currently insufficient to determine the role of this variant in disease. Therefore, it has been classified as a Variant of Uncertain Significance.